The following is an entry in ClinVar:

ClinVar aggregate classification (germline): Conflicting classifications of pathogenicity. Review status: criteria provided, conflicting classifications (1 of 4 stars). 3 submissions from 3 submitters: Likely pathogenic (1); Uncertain significance (2). Last evaluated 2026-02-09.

Conditions:
Bardet-Biedl syndrome 20. Identifiers: MedGen C4310707, MONDO:0023670, OMIM 619471, MONDO:0014926.
Retinitis pigmentosa 71 (RP71). Identifiers: Orphanet 791, MedGen C4225342, MONDO:0014618, OMIM 616394.
Short-rib thoracic dysplasia 10 with or without polydactyly (SRTD10). Identifiers: Orphanet 474, MedGen C3810175, MONDO:0014284, OMIM 615630.
Retinal dystrophy. Also called: Inherited retinal dystrophy. Identifiers: Orphanet 71862, MedGen C0854723, MeSH D058499, MONDO:0019118, HP:0000556.
IFT172-related disorder. Also called: IFT172-related condition; IFT172-related disorders.

Submissions (3):

PreventionGenetics, part of Exact Sciences
Classification: Uncertain significance for IFT172-related condition. Last evaluated: 2026-02-09. Review status: criteria provided, single submitter. Criteria: ACMG Guidelines, 2015. Collection method: clinical testing. Allele origin: germline.
Comment: The IFT172 c.1969G>A variant is predicted to result in the amino acid substitution p.Ala657Thr. This variant has been reported in a cohort of individuals with retinitis pigmentosa; however, detailed clinical information was not available (Table S5, Koyanagi et al. 2019. PubMed ID: 31213501). This variant has not been reported in a large population database (GnomAD), indicating this variant is rare. At this time, the clinical significance of this variant is uncertain due to the absence of conclusive functional and genetic evidence.

Fulgent Genetics
Classification: Uncertain significance for Short-rib thoracic dysplasia 10 with or without polydactyly; Retinitis pigmentosa 71; Bardet-Biedl syndrome 20. Last evaluated: 2024-04-15. Review status: criteria provided, single submitter. Criteria: ACMG Guidelines, 2015. Collection method: clinical testing. Allele origin: germline.

Dept Of Ophthalmology, Nagoya University
Classification: Likely pathogenic for Retinal dystrophy. Last evaluated: 2023-10-01. Review status: criteria provided, single submitter. Criteria: Submitter's publication. Collection method: research. Allele origin: germline. Affected: yes.

NM_015662.3(IFT172):c.1969G>A (p.Ala657Thr)

Gene: IFT172 (intraflagellar transport 172; minus strand). Cytogenetic location: 2p23.3.
Variant type: single nucleotide variant.
Coding change: c.1969G>A on transcript NM_015662.3 (MANE Select); coding-DNA position 1969, G replaced by A.
Protein change: p.Ala657Thr; replaces alanine 657 with threonine.
Molecular consequence: missense variant.
Genome position (GRCh38, 1-based): chr2:27,463,150, C>T on the plus strand (G>A on the coding strand, the complement: IFT172 is on the minus strand). VCF-style: chr2-27463150-C-T. GRCh37 (hg19) VCF-style: chr2-27686017-C-T.
Other names: c.1969G>A (NM_015662.2); c.1903G>A, p.Ala635Thr (NM_001410739.1); short protein forms A635T, A657T.
Identifiers: ClinVar variation 3028800 (VCV003028800.3), dbSNP rs190366845, ClinGen allele CA346385340.